The following is an entry in ClinVar:

NM_000231.3(SGCG):c.599del (p.Ser200fs)

Gene: SGCG (sarcoglycan gamma; plus strand). Cytogenetic location: 13q12.12.
Variant type: Deletion.
Coding change: c.599del on transcript NM_000231.3 (MANE Select); coding-DNA position 599, one base deleted (G; older notation c.599delG).
Protein change: p.Ser200fs; shifts the reading frame from serine 200.
Molecular consequence: frameshift variant.
Genome position (GRCh38, 1-based): chr13:23,320,657, G deleted. VCF-style (leftmost placement, unchanged base first): chr13-23320656-AG-A. GRCh37 (hg19) VCF-style: chr13-23894795-AG-A.
Other names: p.Ser200Ilefs*2; c.599del (NM_000231.2); c.653del, p.Ser218fs (NM_001378244.1); c.599del, p.Ser200fs (NM_001378245.1, NM_001378246.1); short protein forms S200fs, S218fs.
Identifiers: ClinVar variation 288297 (VCV000288297.9), dbSNP rs886043860, ClinGen allele CA10606040.

ClinVar aggregate classification (germline): Pathogenic/Likely pathogenic. Review status: criteria provided, multiple submitters, no conflicts (2 of 4 stars). 3 submissions from 3 submitters: Pathogenic (2); Likely pathogenic (1). Last evaluated 2023-10-09.

Conditions:
Autosomal recessive limb-girdle muscular dystrophy type 2C (LGMDR5). Also called: MUSCULAR DYSTROPHY, DUCHENNE-LIKE; MUSCULAR DYSTROPHY, LIMB-GIRDLE, AUTOSOMAL RECESSIVE 5. Identifiers: Orphanet 353, MedGen C0410173, MONDO:0009677, OMIM 253700. Disease mechanism: Affects gamma-sarcoglycan and also disrupts the integrity of the entire sarcoglycan complex..

Submissions (3):

Mayo Clinic Laboratories, Mayo Clinic
Classification: Likely pathogenic. Last evaluated: 2023-10-09. Review status: criteria provided, single submitter. Criteria: ACMG Guidelines, 2015. Collection method: clinical testing. Allele origin: germline. Observed: 1 variant allele.
Comment: PM2_moderate, PVS1

Labcorp Genetics (formerly Invitae), Labcorp
Classification: Pathogenic for Autosomal recessive limb-girdle muscular dystrophy type 2C. Last evaluated: 2023-01-10. Review status: criteria provided, single submitter. Criteria: Invitae Variant Classification Sherloc (09022015). Collection method: clinical testing. Allele origin: germline.
Comment: For these reasons, this variant has been classified as Pathogenic. ClinVar contains an entry for this variant (Variation ID: 288297). This variant has not been reported in the literature in individuals affected with SGCG-related conditions. This variant is not present in population databases (gnomAD no frequency). This sequence change creates a premature translational stop signal (p.Ser200Ilefs*2) in the SGCG gene. It is expected to result in an absent or disrupted protein product. Loss-of-function variants in SGCG are known to be pathogenic (PMID: 18285821).

Eurofins Ntd Llc (ga)
Classification: Pathogenic. Last evaluated: 2016-06-22. Review status: criteria provided, single submitter. Criteria: EGL Classification Definitions 2015. Collection method: clinical testing. Allele origin: germline. Observed: 1 variant allele, 1 homozygote.

Literature cited by the submitters: PubMed 18285821 (cited by Labcorp Genetics (formerly Invitae), Labcorp).